The following is an entry in ClinVar:

ClinVar aggregate classification (germline): Uncertain significance (1 of 4 stars; one submission).

Conditions:
Cardiovascular phenotype. Identifiers: MedGen CN230736.

gnomAD v4.1: 6 of 1,614,120 alleles (0.00037%); highest among the groups gnomAD compares: Non-Finnish European, 0.00051%; no homozygotes.

Submission:

Ambry Genetics
Classification: Uncertain significance for Cardiovascular phenotype. Last evaluated: 2025-12-07. Review status: criteria provided, single submitter. Criteria: Ambry Variant Classification Scheme 2023. Collection method: clinical testing. Allele origin: germline.
Comment: The p.S59F variant (also known as c.176C>T), located in coding exon 2 of the ABCG5 gene, results from a C to T substitution at nucleotide position 176. The serine at codon 59 is replaced by phenylalanine, an amino acid with highly dissimilar properties. This amino acid position is conserved. In addition, the in silico prediction for this alteration is inconclusive. Based on the available evidence, the clinical significance of this variant remains unclear.

NM_022436.3(ABCG5):c.176C>T (p.Ser59Phe)

Gene: ABCG5 (ATP binding cassette subfamily G member 5; minus strand). Cytogenetic location: 2p21.
Variant type: single nucleotide variant.
Coding change: c.176C>T on transcript NM_022436.3 (MANE Select); coding-DNA position 176, C replaced by T.
Protein change: p.Ser59Phe; replaces serine 59 with phenylalanine.
Molecular consequence: missense variant.
Genome position (GRCh38, 1-based): chr2:43,837,923, G>A on the plus strand (C>T on the coding strand, the complement: ABCG5 is on the minus strand). VCF-style: chr2-43837923-G-A. GRCh37 (hg19) VCF-style: chr2-44065062-G-A.
Other names: short protein forms S59F.
Identifiers: ClinVar variation 4613335 (VCV004613335.1).
Genomic context (GRCh38, chr2:43,837,923, plus strand): 5'-CCGCTCTCCACGTACAAGGAGACATCTTTGAGGATCTGCCTGGTCCACTGCTGCCGGCAA[G>A]ATGTGATGTCCCACCAGGGCCTCACGCGGTGGCTTTAAAGGAAACCCCAGGAAGGCAAAG-3'
Protein context (NP_071881.1, residues 49-69): HRVRPWWDIT[Ser59Phe]CRQQWTRQIL